The following is an entry in ClinVar:

NM_004725.4(BUB3):c.939T>G (p.Ile313Met)

Gene: BUB3 (BUB3 mitotic checkpoint protein; plus strand). Cytogenetic location: 10q26.13.
Variant type: single nucleotide variant.
Coding change: c.939T>G on transcript NM_004725.4 (MANE Select); coding-DNA position 939, T replaced by G.
Protein change: p.Ile313Met; replaces isoleucine 313 with methionine.
Molecular consequence: missense variant.
Genome position (GRCh38, 1-based): chr10:123,162,796, T>G. VCF-style: chr10-123162796-T-G. GRCh37 (hg19) VCF-style: chr10-124922312-T-G.
Other names: c.939T>G, p.Ile313Met (NM_001007793.3); short protein forms I313M.
Identifiers: ClinVar variation 1766805 (VCV001766805.2), dbSNP rs1431124733, ClinGen allele CA378627253.
Genomic context (GRCh38, chr10:123,162,796, plus strand): 5'-AGCGTCATCATATATGTATGAAATGGATGACACAGAACATCCTGAAGATGGTATCTTCAT[T>G]CGCCAAGTGACAGATGCAGAAACAAAACCCAAGTGAGTATGCTTCACCTGTATTTGAGCC-3'
Protein context (NP_004716.1, residues 303-323): DTEHPEDGIF[Ile313Met]RQVTDAETKP

ClinVar aggregate classification (germline): Uncertain significance (1 of 4 stars; one submission).

Allele frequency attached by ClinVar (database versions not stated): gnomAD exomes below 0.00001; TOPMed 0.00001.
gnomAD v4.1: 1 of 1,613,496 alleles (0.000062%); highest among the groups gnomAD compares: African/African-American, 0.0013%; no homozygotes.

Submission:

Ambry Genetics
Classification: Uncertain significance. Last evaluated: 2022-06-04. Review status: criteria provided, single submitter. Criteria: Ambry Variant Classification Scheme 2023. Collection method: clinical testing. Allele origin: germline.
Comment: The p.I313M variant (also known as c.939T>G), located in coding exon 6 of the BUB3 gene, results from a T to G substitution at nucleotide position 939. The isoleucine at codon 313 is replaced by methionine, an amino acid with highly similar properties. This amino acid position is conserved. In addition, the in silico prediction for this alteration is inconclusive. Since supporting evidence is limited at this time, the clinical significance of this alteration remains unclear.